The following is an entry in ClinVar:

ClinVar aggregate classification (germline): Uncertain significance (1 of 4 stars; one submission).

Conditions:
Epidermolysis bullosa simplex with nail dystrophy (EBS5D). Identifiers: MedGen C4225309, MONDO:0014661, OMIM 616487.
Epidermolysis bullosa simplex, Ogna type (EBS5A). Also called: Pidermolysis bullosa simplex 5A, Ogna type; EPIDERMOLYSIS BULLOSA SIMPLEX 5A, OGNA TYPE. Identifiers: Orphanet 79401, MedGen C0432317, MONDO:0007555, OMIM 131950.
Autosomal recessive limb-girdle muscular dystrophy type 2Q (LGMDR17). Also called: MUSCULAR DYSTROPHY, LIMB-GIRDLE, AUTOSOMAL RECESSIVE 17. Identifiers: Orphanet 254361, MedGen C3150989, MONDO:0013390, OMIM 613723.
Epidermolysis bullosa simplex 5C, with pyloric atresia (EBS5C). Also called: PLEC-Related Epidermolysis Bullosa with Pyloric Atresia; Epidermolysis bullosa simplex with pyloric atresia; PLEC1-Related Epidermolysis Bullosa with Pyloric Atresia. Identifiers: Orphanet 158684, MedGen C2677349, MONDO:0012807, OMIM 612138.
Epidermolysis bullosa simplex 5B, with muscular dystrophy (EBS5B). Also called: EPIDERMOLYSIS BULLOSA SIMPLEX AND LIMB-GIRDLE MUSCULAR DYSTROPHY; Epidermolysis bullosa simplex with muscular dystrophy. Identifiers: Orphanet 257, MedGen C2931072, MONDO:0009181, OMIM 226670.

Submission:

Labcorp Genetics (formerly Invitae), Labcorp
Classification: Uncertain significance for Autosomal recessive limb-girdle muscular dystrophy type 2Q; Epidermolysis bullosa simplex, Ogna type; Epidermolysis bullosa simplex with nail dystrophy; Epidermolysis bullosa simplex 5C, with pyloric atresia; Epidermolysis bullosa simplex 5B, with muscular dystrophy. Last evaluated: 2025-05-05. Review status: criteria provided, single submitter. Criteria: Invitae Variant Classification Sherloc (09022015). Collection method: clinical testing. Allele origin: germline.
Comment: This sequence change replaces leucine, which is neutral and non-polar, with glutamine, which is neutral and polar, at codon 2475 of the PLEC protein (p.Leu2475Gln). This variant is not present in population databases (gnomAD no frequency). This variant has not been reported in the literature in individuals affected with PLEC-related conditions. ClinVar contains an entry for this variant (Variation ID: 471644). An algorithm developed to predict the effect of missense changes on protein structure and function (PolyPhen-2) suggests that this variant is likely to be disruptive. In summary, the available evidence is currently insufficient to determine the role of this variant in disease. Therefore, it has been classified as a Variant of Uncertain Significance.

NM_201384.3(PLEC):c.7343T>A (p.Leu2448Gln)

Gene: PLEC (plectin; minus strand). Cytogenetic location: 8q24.3.
Variant type: single nucleotide variant.
Coding change: c.7343T>A on transcript NM_201384.3 (MANE Select); coding-DNA position 7343, T replaced by A.
Protein change: p.Leu2448Gln; replaces leucine 2448 with glutamine.
Molecular consequence: missense variant.
Genome position (GRCh38, 1-based): chr8:143,922,586, A>T on the plus strand (T>A on the coding strand, the complement: PLEC is on the minus strand). VCF-style: chr8-143922586-A-T. GRCh37 (hg19) VCF-style: chr8-144996754-A-T.
Other names: c.7424T>A, p.Leu2475Gln (NM_000445.5); c.7301T>A, p.Leu2434Gln (NM_201378.4); c.7277T>A, p.Leu2426Gln (NM_201379.3); c.7754T>A, p.Leu2585Gln (NM_201380.4); c.7247T>A, p.Leu2416Gln (NM_201381.3); c.7343T>A, p.Leu2448Gln (NM_201382.4); c.7355T>A, p.Leu2452Gln (NM_201383.3); short protein forms L2426Q, L2475Q, L2452Q, L2585Q, L2416Q, L2434Q, L2448Q.
Identifiers: ClinVar variation 471644 (VCV000471644.8), dbSNP rs1554689907, ClinGen allele CA372526039.